The following is an entry in ClinVar:

NM_020937.4(FANCM):c.5345G>T (p.Gly1782Val)

Gene: FANCM (FA complementation group M; plus strand). Cytogenetic location: 14q21.2.
Variant type: single nucleotide variant.
Coding change: c.5345G>T on transcript NM_020937.4 (MANE Select); coding-DNA position 5345, G replaced by T.
Protein change: p.Gly1782Val; replaces glycine 1782 with valine.
Molecular consequence: missense variant.
Genome position (GRCh38, 1-based): chr14:45,196,176, G>T. VCF-style: chr14-45196176-G-T. GRCh37 (hg19) VCF-style: chr14-45665379-G-T.
Other names: c.5267G>T, p.Gly1756Val (NM_001308133.2); short protein forms G1782V, G1756V.
Identifiers: ClinVar variation 3848537 (VCV003848537.1).

ClinVar aggregate classification (germline): Uncertain significance (1 of 4 stars; one submission).

Conditions:
Inborn genetic diseases. Identifiers: MedGen C0950123, MeSH D030342.

gnomAD v4.1: 1 of 1,614,070 alleles (0.000062%); highest among the groups gnomAD compares: Admixed American, 0.0017%; no homozygotes.

Submission:

Ambry Genetics
Classification: Uncertain significance for Inborn genetic diseases. Last evaluated: 2024-12-22. Review status: criteria provided, single submitter. Criteria: Ambry Variant Classification Scheme 2023. Collection method: clinical testing. Allele origin: germline.
Comment: The p.G1782V variant (also known as c.5345G>T), located in coding exon 21 of the FANCM gene, results from a G to T substitution at nucleotide position 5345. The glycine at codon 1782 is replaced by valine, an amino acid with dissimilar properties. This amino acid position is conserved. In addition, this alteration is predicted to be tolerated by in silico analysis. Based on the available evidence, the clinical significance of this variant remains unclear.